The following is an entry in ClinVar:

NM_144670.6(A2ML1):c.2126G>A (p.Gly709Asp)

Gene: A2ML1 (alpha-2-macroglobulin like 1; plus strand). Cytogenetic location: 12p13.31.
Variant type: single nucleotide variant.
Coding change: c.2126G>A on transcript NM_144670.6 (MANE Select); coding-DNA position 2126, G replaced by A.
Protein change: p.Gly709Asp; replaces glycine 709 with aspartic acid.
Molecular consequence: missense variant.
Genome position (GRCh38, 1-based): chr12:8,850,166, G>A. VCF-style: chr12-8850166-G-A. GRCh37 (hg19) VCF-style: chr12-9002762-G-A.
Other names: c.2126G>A (NM_144670.3); c.653G>A, p.Gly218Asp (NM_001282424.3); short protein forms G218D, G709D.
Identifiers: ClinVar variation 836715 (VCV000836715.9), dbSNP rs1943839450, ClinGen allele CA383832039.

ClinVar aggregate classification (germline): Uncertain significance. Review status: criteria provided, multiple submitters, no conflicts (2 of 4 stars). 2 submissions from 2 submitters: Uncertain significance (2). Last evaluated 2025-09-01.

Allele frequency attached by ClinVar (database versions not stated): gnomAD 0.00001; gnomAD exomes 0.00001.
gnomAD v4.1: 12 of 1,603,934 alleles (0.00075%); highest among the groups gnomAD compares: Admixed American, 0.019%; no homozygotes.

Submissions (2):

Labcorp Genetics (formerly Invitae), Labcorp
Classification: Uncertain significance. Last evaluated: 2025-09-01. Review status: criteria provided, single submitter. Criteria: Invitae Variant Classification Sherloc (09022015). Collection method: clinical testing. Allele origin: germline.
Comment: This sequence change replaces glycine, which is neutral and non-polar, with aspartic acid, which is acidic and polar, at codon 709 of the A2ML1 protein (p.Gly709Asp). This variant is not present in population databases (gnomAD no frequency). This variant has not been reported in the literature in individuals affected with A2ML1-related conditions. ClinVar contains an entry for this variant (Variation ID: 836715). An algorithm developed to predict the effect of missense changes on protein structure and function outputs the following: PolyPhen-2: "Benign". The aspartic acid amino acid residue is found in multiple mammalian species, which suggests that this missense change does not adversely affect protein function. In summary, the available evidence is currently insufficient to determine the role of this variant in disease. Therefore, it has been classified as a Variant of Uncertain Significance.

Ambry Genetics
Classification: Uncertain significance. Last evaluated: 2023-01-18. Review status: criteria provided, single submitter. Criteria: Ambry Variant Classification Scheme 2023. Collection method: clinical testing. Allele origin: germline.